The following is an entry in ClinVar:

NM_002637.4(PHKA1):c.3406A>C (p.Met1136Leu)

Gene: PHKA1 (phosphorylase kinase regulatory subunit alpha 1; minus strand). Cytogenetic location: Xq13.1.
Variant type: single nucleotide variant.
Coding change: c.3406A>C on transcript NM_002637.4 (MANE Select); coding-DNA position 3406, A replaced by C.
Protein change: p.Met1136Leu; replaces methionine 1136 with leucine.
Molecular consequence: missense variant.
Genome position (GRCh38, 1-based): chrX:72,582,490, T>G on the plus strand (A>C on the coding strand, the complement: PHKA1 is on the minus strand). VCF-style: chrX-72582490-T-G. GRCh37 (hg19) VCF-style: chrX-71802340-T-G.
Other names: c.3367A>C, p.Met1123Leu (NM_001122670.2); c.3190A>C, p.Met1064Leu (NM_001172436.2); c.3457A>C, p.Met1153Leu (NM_001431068.1); short protein forms M1064L, M1136L, M1153L, M1123L.
Identifiers: ClinVar variation 3663768 (VCV003663768.2).

ClinVar aggregate classification (germline): Uncertain significance (1 of 4 stars; one submission).

Conditions:
Glycogen storage disease IXd (GSD9D). Also called: Muscle Phosphorylase Kinase Deficiency; GSD IXd. Identifiers: Orphanet 715, MedGen C1845151, MONDO:0010362, OMIM 300559.

Submission:

Labcorp Genetics (formerly Invitae), Labcorp
Classification: Uncertain significance for Glycogen storage disease IXd. Last evaluated: 2025-06-22. Review status: criteria provided, single submitter. Criteria: Invitae Variant Classification Sherloc (09022015). Collection method: clinical testing. Allele origin: germline.
Comment: This sequence change replaces methionine, which is neutral and non-polar, with leucine, which is neutral and non-polar, at codon 1136 of the PHKA1 protein (p.Met1136Leu). This variant is not present in population databases (gnomAD no frequency). This variant has not been reported in the literature in individuals affected with PHKA1-related conditions. ClinVar contains an entry for this variant (Variation ID: 3663768). An algorithm developed to predict the effect of missense changes on protein structure and function (PolyPhen-2) suggests that this variant is likely to be tolerated. In summary, the available evidence is currently insufficient to determine the role of this variant in disease. Therefore, it has been classified as a Variant of Uncertain Significance.